The following is an entry in ClinVar:

NM_152468.5(TMC8):c.1902+81G>A

Gene: TMC8 (transmembrane channel like 8; plus strand). Cytogenetic location: 17q25.3.
Variant type: single nucleotide variant.
Coding change: c.1902+81G>A on transcript NM_152468.5 (MANE Select); 81 bases into the intron after coding-DNA position 1902, G replaced by A.
Molecular consequence: intron variant.
Genome position (GRCh38, 1-based): chr17:78,139,321, G>A. VCF-style: chr17-78139321-G-A. GRCh37 (hg19) VCF-style: chr17-76135402-G-A.
Identifiers: ClinVar variation 1238978 (VCV001238978.6), dbSNP rs17773842, ClinGen allele CA14478498.

ClinVar aggregate classification (germline): Benign. Review status: criteria provided, multiple submitters, no conflicts (2 of 4 stars). 3 submissions from 3 submitters: Benign (3). Last evaluated 2024-01-24.

Allele frequency attached by ClinVar (database versions not stated): 1000 Genomes Project 30x 0.13413; 1000 Genomes Project 0.13498; TOPMed 0.21175; gnomAD 0.22329 and 0.22488.
gnomAD v4.1: 441,058 of 1,516,928 alleles (29%); highest among the groups gnomAD compares: Middle Eastern, 34%; 69,646 homozygotes.

Submissions (3):

Unidad de Genómica Garrahan, Hospital de Pediatría Garrahan
Classification: Benign. Last evaluated: 2024-01-24. Review status: criteria provided, single submitter. Criteria: ACMG Guidelines, 2015. Collection method: clinical testing. Allele origin: germline. Affected: no. Observed: 31 variant alleles.
Comment: This variant is classified as Benign based on local population frequency. This variant was detected in 35% of patients studied by a panel of primary immunodeficiencies. Number of patients: 31. Only high quality variants are reported.

GeneDx
Classification: Benign. Last evaluated: 2018-07-09. Review status: criteria provided, single submitter. Criteria: GeneDx Variant Classification Process June 2021. Collection method: clinical testing. Allele origin: germline. Affected: yes.

Breakthrough Genomics
Classification: Benign. Review status: criteria provided, single submitter. Criteria: ACMG Guidelines, 2015. Collection method: not provided. Allele origin: germline. Inheritance: Autosomal recessive inheritance. Affected: yes.